The following is an entry in ClinVar:

ClinVar aggregate classification (germline): Uncertain significance (1 of 4 stars; one submission).

Submission:

Ambry Genetics
Classification: Uncertain significance. Last evaluated: 2023-04-07. Review status: criteria provided, single submitter. Criteria: Ambry Variant Classification Scheme 2023. Collection method: clinical testing. Allele origin: germline.
Comment: The p.K194R variant (also known as c.581A>G), located in coding exon 1 of the EGLN2 gene, results from an A to G substitution at nucleotide position 581. The lysine at codon 194 is replaced by arginine, an amino acid with highly similar properties. This amino acid position is conserved. In addition, this alteration is predicted to be tolerated by in silico analysis. Since supporting evidence is limited at this time, the clinical significance of this alteration remains unclear.

NM_080732.4(EGLN2):c.581A>G (p.Lys194Arg)

Genes: EGLN2 (egl-9 family hypoxia inducible factor 2; plus strand), RAB4B-EGLN2 (RAB4B-EGLN2 readthrough (NMD candidate); plus strand). Cytogenetic location: 19q13.2.
Variant type: single nucleotide variant.
Coding change: c.581A>G on transcript NM_080732.4 (MANE Select); coding-DNA position 581, A replaced by G.
Protein change: p.Lys194Arg; replaces lysine 194 with arginine.
Molecular consequence: missense variant. On other transcripts: non-coding transcript variant (1).
Genome position (GRCh38, 1-based): chr19:40,801,153, A>G. VCF-style: chr19-40801153-A-G. GRCh37 (hg19) VCF-style: chr19-41307058-A-G.
Other names: c.581A>G, p.Lys194Arg (NM_053046.4); short protein forms K194R.
Identifiers: ClinVar variation 2564153 (VCV002564153.2), dbSNP rs2515994740, ClinGen allele CA405955560.